The following is an entry in ClinVar:

ClinVar aggregate classification (germline): Uncertain significance (1 of 4 stars; one submission).

Conditions:
Cardiomyopathy (CMYO). Also called: Cardiomyopathies. Identifiers: Orphanet 167848, MedGen C0878544, MONDO:0004994, HP:0001638. Inheritance: Various modes of inheritance.

gnomAD v4.1: 2 of 1,614,158 alleles (0.00012%); highest among the groups gnomAD compares: Non-Finnish European, 0.00017%; 1 homozygote.

Submission:

Color Diagnostics, LLC DBA Color Health
Classification: Uncertain significance for Cardiomyopathy. Last evaluated: 2025-08-28. Review status: criteria provided, single submitter. Criteria: ACMG Guidelines, 2015. Collection method: clinical testing. Allele origin: germline.
Comment: This missense variant replaces lysine with glutamic acid at codon 705 of the DSP protein. Computational prediction suggests that this variant may not impact protein structure and function. To our knowledge, functional studies have not been reported for this variant. This variant has not been reported in individuals affected with DSP-related disorders in the literature. This variant has not been identified in the general population by the Genome Aggregation Database (gnomAD). The available evidence is insufficient to determine the role of this variant in disease conclusively. Therefore, this variant is classified as a Variant of Uncertain Significance.

NM_004415.4(DSP):c.2113A>G (p.Lys705Glu)

Gene: DSP (desmoplakin; plus strand). Cytogenetic location: 6p24.3.
Variant type: single nucleotide variant.
Coding change: c.2113A>G on transcript NM_004415.4 (MANE Select); coding-DNA position 2113, A replaced by G.
Protein change: p.Lys705Glu; replaces lysine 705 with glutamic acid.
Molecular consequence: missense variant.
Genome position (GRCh38, 1-based): chr6:7,572,051, A>G. VCF-style: chr6-7572051-A-G. GRCh37 (hg19) VCF-style: chr6-7572284-A-G.
Other names: c.2113A>G, p.Lys705Glu (NM_001008844.3, NM_001319034.2); short protein forms K705E.
Identifiers: ClinVar variation 4757876 (VCV004757876.1).
Genomic context (GRCh38, chr6:7,572,051, plus strand): 5'-AGGATGACTCTCAAAAACCTCCCTCTAGCAGACCAGGGATCTTCTCACCACATCACAGTG[A>G]AAATTAACGAGCTTAAGGTAGGTATCTGCTAGTATTTTGCCTGGTTACCCTGTATATTTT-3'
Protein context (NP_004406.2, residues 695-715): DQGSSHHITV[Lys705Glu]INELKSVQND